The following is an entry in ClinVar:

ClinVar aggregate classification (germline): Likely pathogenic (1 of 4 stars; one submission).

Conditions:
Autosomal recessive primary microcephaly. Identifiers: Orphanet 2512, MedGen C3711387, MONDO:0016660.

Allele frequency attached by ClinVar (database versions not stated): ExAC 0.00001.
gnomAD v4.1: 2 of 1,612,558 alleles (0.00012%); highest among the groups gnomAD compares: Non-Finnish European, 0.000085%; no homozygotes.

Submission:

Laboratory for Molecular Medicine, Mass General Brigham Personalized Medicine
Classification: Likely pathogenic for Autosomal recessive primary microcephaly. Last evaluated: 2016-12-22. Review status: criteria provided, single submitter. Criteria: LMM Criteria. Collection method: clinical testing. Allele origin: germline. Inheritance: Autosomal recessive inheritance. Observed: 1 variant allele.
Comment: The p.Gln1574X (NM_018136.4 c.4720C>T) variant in ASPM has not been reported in the literature. This nonsense variant leads to a premature termination codon at position 1574, which is predicted to lead to a truncated or absent protein. Bial lelic loss of function of the ASPM gene has been associated with primary microce phaly type 5. This variant has been identified in 1/6550 of Finnish chromosomes by the Exome Aggregation Consortium (ExAC; dbSNP rs776034810). Although this variant has been seen in the general population, it s frequency is low enough to be consistent with a recessive carrier frequency. In summary, although additional studies are required to fully establish a null e ffect on the protein, the p.Gln1574X variant in ASPM is likely pathogenic for pr imary microcephaly type 5 in an autosomal recessive manner based upon its predic ted functional impact.

NM_018136.5(ASPM):c.4720C>T (p.Gln1574Ter)

Gene: ASPM (assembly factor for spindle microtubules; minus strand). Cytogenetic location: 1q31.3.
Variant type: single nucleotide variant.
Coding change: c.4720C>T on transcript NM_018136.5 (MANE Select); coding-DNA position 4720, C replaced by T.
Protein change: p.Gln1574Ter; replaces glutamine 1574 with a stop codon.
Molecular consequence: nonsense. On other transcripts: intron variant (1).
Genome position (GRCh38, 1-based): chr1:197,104,531, G>A on the plus strand (C>T on the coding strand, the complement: ASPM is on the minus strand). VCF-style: chr1-197104531-G-A. GRCh37 (hg19) VCF-style: chr1-197073661-G-A.
Other names: c.4066-8367C>T (NM_001206846.2); short protein forms Q1574*.
Identifiers: ClinVar variation 517208 (VCV000517208.4), dbSNP rs776034810, ClinGen allele CA1309882.
Genomic context (GRCh38, chr1:197,104,531, plus strand): 5'-TTACATGTGCCTGAAATTTGATAATAGTCTTCTTAAGGTTTAAAAATCGAACTCTGTCTT[G>A]TCTCATTCTCCAGTATGACTGAATAACACAAGCAGCTCTAATTTGTCTACATAAATTATG-3'